The following is an entry in ClinVar:

ClinVar aggregate classification (germline): Uncertain significance (1 of 4 stars; one submission).

Allele frequency attached by ClinVar (database versions not stated): TOPMed 0.00007.
gnomAD v4.1: 14 of 1,613,560 alleles (0.00087%); highest among the groups gnomAD compares: East Asian, 0.029%; no homozygotes.

Submission:

Labcorp Genetics (formerly Invitae), Labcorp
Classification: Uncertain significance for Combined immunodeficiency due to DOCK8 deficiency. Last evaluated: 2020-07-03. Review status: criteria provided, single submitter. Criteria: Invitae Variant Classification Sherloc (09022015). Collection method: clinical testing. Allele origin: germline.
Comment: In summary, the available evidence is currently insufficient to determine the role of this variant in disease. Therefore, it has been classified as a Variant of Uncertain Significance. Algorithms developed to predict the effect of missense changes on protein structure and function are either unavailable or do not agree on the potential impact of this missense change (SIFT: "Tolerated"; PolyPhen-2: "Probably Damaging"; Align-GVGD: "Class C0"). This variant has not been reported in the literature in individuals with DOCK8-related conditions. This variant is present in population databases (rs754936136, ExAC 0.05%). This sequence change replaces arginine with glycine at codon 2063 of the DOCK8 protein (p.Arg2063Gly). The arginine residue is highly conserved and there is a moderate physicochemical difference between arginine and glycine.

NM_203447.4(DOCK8):c.6187C>G (p.Arg2063Gly)

Gene: DOCK8 (dedicator of cytokinesis 8; plus strand). Cytogenetic location: 9p24.3.
Variant type: single nucleotide variant.
Coding change: c.6187C>G on transcript NM_203447.4 (MANE Select); coding-DNA position 6187, C replaced by G.
Protein change: p.Arg2063Gly; replaces arginine 2063 with glycine.
Molecular consequence: missense variant.
Genome position (GRCh38, 1-based): chr9:463,635, C>G. VCF-style: chr9-463635-C-G. GRCh37 (hg19) VCF-style: chr9-463635-C-G.
Other names: c.5887C>G, p.Arg1963Gly (NM_001190458.2); c.5983C>G, p.Arg1995Gly (NM_001193536.2); short protein forms R1963G, R1995G, R2063G.
Identifiers: ClinVar variation 1026126 (VCV001026126.8), dbSNP rs754936136, ClinGen allele CA4959706.